The following is an entry in ClinVar:

ClinVar aggregate classification (germline): Pathogenic/Likely pathogenic. Review status: criteria provided, multiple submitters, no conflicts (2 of 4 stars). 2 submissions from 2 submitters: Pathogenic (1); Likely pathogenic (1). Last evaluated 2026-07-01.

Conditions:
Glycogen storage disease, type II (IOPD). Also called: POMPE DISEASE, INFANTILE-ONSET; GLYCOGEN STORAGE DISEASE II, INFANTILE-ONSET; ACID ALPHA-GLUCOSIDASE DEFICIENCY, INFANTILE-ONSET; GAA DEFICIENCY, INFANTILE-ONSET; ACID MALTASE DEFICIENCY, INFANTILE-ONSET; GLYCOGENOSIS, GENERALIZED, CARDIAC FORM. Identifiers: Orphanet 365, MedGen C0017921, MONDO:0009290, OMIM 232300.

Allele frequency attached by ClinVar (database versions not stated): TOPMed below 0.00001; ExAC 0.00001; gnomAD 0.00001; gnomAD exomes 0.00001.

Submissions (2):

Genomenon, Inc
Classification: Pathogenic for Glycogen storage disease, type II. Last evaluated: 2026-07-01. Review status: criteria provided, single submitter. Criteria: Genomenon Sequence Variant Interpretation Standards - Updated. Collection method: curation. Allele origin: germline. Affected: yes.
Comment: GAA p.Arg585Lys (c.1754G>A) is a missense variant that changes the amino acid at codon 585 from Arginine to Lysine. This variant has been observed in at least one proband with a GAA-related disorder (PMID:34852371;32222271;27408821;21484825). Protein-based functional studies show no damaging effect of this variant on protein function (PMID:22644586); however, at least one splicing study has demonstrated that this variant results in aberrant splicing (PMID:32222271). It is absent or not present at a significant frequency in gnomAD. In conclusion, we classify GAA p.Arg585Lys (c.1754G>A) as a pathogenic variant.

Labcorp Genetics (formerly Invitae), Labcorp
Classification: Likely pathogenic for Glycogen storage disease, type II. Last evaluated: 2025-09-16. Review status: criteria provided, single submitter. Criteria: Invitae Variant Classification Sherloc (09022015). Collection method: clinical testing. Allele origin: germline.
Comment: This sequence change replaces arginine, which is basic and polar, with lysine, which is basic and polar, at codon 585 of the GAA protein (p.Arg585Lys). This variant also falls at the last nucleotide of exon 12, which is part of the consensus splice site for this exon. This variant is present in population databases (rs747373179, gnomAD 0.005%). This missense change has been observed in individual(s) with glycogen storage disease and/or Pompe disease (PMID: 18425781, 21484825, 34852371). In at least one individual the data is consistent with being in trans (on the opposite chromosome) from a pathogenic variant. ClinVar contains an entry for this variant (Variation ID: 968057). An algorithm developed to predict the effect of missense changes on protein structure and function (PolyPhen-2) suggests that this variant is likely to be tolerated. Experimental studies are conflicting or provide insufficient evidence to determine the effect of this variant on GAA function (PMID: 21484825, 22644586). Variants that disrupt the consensus splice site are a relatively common cause of aberrant splicing (PMID: 17576681, 9536098). Algorithms developed to predict the effect of sequence changes on RNA splicing suggest that this variant may disrupt the consensus splice site. In summary, the currently available evidence indicates that the variant is pathogenic, but additional data are needed to prove that conclusively. Therefore, this variant has been classified as Likely Pathogenic.

Literature cited by the submitters: PubMed 34852371 (cited by Genomenon, Inc and Labcorp Genetics (formerly Invitae), Labcorp); PubMed 32222271 (cited by Genomenon, Inc); PubMed 27408821 (cited by Genomenon, Inc); PubMed 21484825 (cited by Genomenon, Inc and Labcorp Genetics (formerly Invitae), Labcorp); PubMed 22644586 (cited by Genomenon, Inc and Labcorp Genetics (formerly Invitae), Labcorp); PubMed 18425781 (cited by Labcorp Genetics (formerly Invitae), Labcorp); PubMed 17576681 (cited by Labcorp Genetics (formerly Invitae), Labcorp); PubMed 9536098 (cited by Labcorp Genetics (formerly Invitae), Labcorp).

NM_000152.5(GAA):c.1754G>A (p.Arg585Lys)

Gene: GAA (alpha glucosidase; plus strand). Cytogenetic location: 17q25.3.
Variant type: single nucleotide variant.
Coding change: c.1754G>A on transcript NM_000152.5 (MANE Select); coding-DNA position 1754, G replaced by A.
Protein change: p.Arg585Lys; replaces arginine 585 with lysine.
Molecular consequence: missense variant.
Genome position (GRCh38, 1-based): chr17:80,112,100, G>A. VCF-style: chr17-80112100-G-A. GRCh37 (hg19) VCF-style: chr17-78085899-G-A.
Other names: c.1754G>A, p.Arg585Lys (NM_001079803.3, NM_001079804.3); short protein forms R585K.
Identifiers: ClinVar variation 968057 (VCV000968057.12), dbSNP rs747373179, ClinGen allele CA8815448.